The following is an entry in ClinVar:

NM_001330260.2(SCN8A):c.4445C>A (p.Thr1482Asn)

Gene: SCN8A (sodium voltage-gated channel alpha subunit 8; plus strand). Cytogenetic location: 12q13.13.
Variant type: single nucleotide variant.
Coding change: c.4445C>A on transcript NM_001330260.2 (MANE Select); coding-DNA position 4445, C replaced by A.
Protein change: p.Thr1482Asn; replaces threonine 1482 with asparagine.
Molecular consequence: missense variant.
Genome position (GRCh38, 1-based): chr12:51,790,423, C>A. VCF-style: chr12-51790423-C-A. GRCh37 (hg19) VCF-style: chr12-52184207-C-A.
Other names: c.4322C>A, p.Thr1441Asn (NM_001177984.3, NM_001369788.1); c.4445C>A, p.Thr1482Asn (NM_014191.4); short protein forms T1441N, T1482N.
Identifiers: ClinVar variation 2851717 (VCV002851717.4), dbSNP rs2540308991, ClinGen allele CA384909055.

ClinVar aggregate classification (germline): Pathogenic/Likely pathogenic. Review status: criteria provided, multiple submitters, no conflicts (2 of 4 stars). 2 submissions from 2 submitters: Pathogenic (1); Likely pathogenic (1). Last evaluated 2024-10-01.

Conditions:
Undetermined early-onset epileptic encephalopathy. Identifiers: Orphanet 442835, MedGen C5680057, MONDO:0018614.
Early-infantile DEE. Also called: Ohtahara syndrome; Early infantile epileptic encephalopathy with suppression bursts; Early infantile epileptic encephalopathy. Identifiers: Orphanet 1934, MedGen C0393706, MONDO:0800491.

Submissions (2):

Excellence Center for Genomics and Precision Medicine, King Chulalongkorn Memorial Hospital
Classification: Likely pathogenic for Undetermined early-onset epileptic encephalopathy. Last evaluated: 2024-10-01. Review status: criteria provided, single submitter. Criteria: ACMG Guidelines, 2015. Collection method: clinical testing. Allele origin: germline. Inheritance: Autosomal dominant inheritance. Affected: yes. Observed: 1 heterozygote.
Comment: PM1: Non-truncating, non-synonymous variant is located in a mutational hot spot and/or critical and well-established functional domain PM2_Supporting: Absent from gnomAD population databases PP3_Moderate: For a missense variant, computational prediction tools support a deleterious effect on the gene. REVEL score: Deleterious (Moderate) (0.87) PP2: Missense variant in a gene with low rate of benign missense mutations and for which missense mutation is a common mechanism of a disease (Z score = 10.45)

Labcorp Genetics (formerly Invitae), Labcorp
Classification: Pathogenic for Early-infantile DEE. Last evaluated: 2023-08-16. Review status: criteria provided, single submitter. Criteria: Invitae Variant Classification Sherloc (09022015). Collection method: clinical testing. Allele origin: germline.
Comment: For these reasons, this variant has been classified as Pathogenic. Advanced modeling of protein sequence and biophysical properties (such as structural, functional, and spatial information, amino acid conservation, physicochemical variation, residue mobility, and thermodynamic stability) performed at Invitae indicates that this missense variant is expected to disrupt SCN8A protein function. This missense change has been observed in individual(s) with clinical features of SCN8A-related conditions (Invitae). In at least one individual the variant was observed to be de novo. This variant is not present in population databases (gnomAD no frequency). This sequence change replaces threonine, which is neutral and polar, with asparagine, which is neutral and polar, at codon 1482 of the SCN8A protein (p.Thr1482Asn).